The following is an entry in ClinVar:

NM_001382567.1(STIM1):c.2092T>C (p.Ser698Pro)

Genes: STIM1 (stromal interaction molecule 1; plus strand), LOC124418421 (Sharpr-MPRA regulatory region 9588; plus strand). Cytogenetic location: 11p15.4.
Variant type: single nucleotide variant.
Coding change: c.2092T>C on transcript NM_001382567.1 (MANE Select); coding-DNA position 2092, T replaced by C.
Protein change: p.Ser698Pro; replaces serine 698 with proline.
Molecular consequence: missense variant. On other transcripts: 3 prime UTR variant (4), non-coding transcript variant (3).
Genome position (GRCh38, 1-based): chr11:4,091,739, T>C. VCF-style: chr11-4091739-T-C. GRCh37 (hg19) VCF-style: chr11-4112969-T-C.
Other names: c.2095T>C, p.Ser699Pro (NM_001382566.1); c.2020T>C, p.Ser674Pro (NM_001382568.1); c.1864T>C, p.Ser622Pro (NM_001382569.1); c.1771T>C, p.Ser591Pro (NM_001382570.1); c.1519T>C, p.Ser507Pro (NM_001382571.1); c.1777T>C, p.Ser593Pro (NM_001382575.1, NM_001382576.1, NM_001382577.1); c.*413T>C (NM_001382578.1, NM_001382579.1, NM_001382580.1 and 1 more transcripts); c.2317T>C, p.Ser773Pro (NM_001277961.3); and 2 more; short protein forms S504P, S507P, S591P, S593P, S622P, S667P, S674P, S698P.
Identifiers: ClinVar variation 3755556 (VCV003755556.2).

ClinVar aggregate classification (germline): Uncertain significance (1 of 4 stars; one submission).

Conditions:
Stormorken syndrome (STRMK). Also called: THROMBOCYTOPATHY, ASPLENIA, AND MIOSIS. Identifiers: Orphanet 3204, MedGen C1861451, MONDO:0008497, OMIM 185070.
Myopathy with tubular aggregates (TAM). Also called: Tubular Aggregate Myopathy. Identifiers: Orphanet 2593, MedGen C0410207, MONDO:0008051.
Combined immunodeficiency due to STIM1 deficiency. Also called: STIM1 DEFICIENCY; IMMUNODEFICIENCY 10. Identifiers: Orphanet 169090, Orphanet 317430, MedGen C2748557, MONDO:0013008, OMIM 612783.

Submission:

Labcorp Genetics (formerly Invitae), Labcorp
Classification: Uncertain significance for Myopathy with tubular aggregates; Combined immunodeficiency due to STIM1 deficiency; Stormorken syndrome. Last evaluated: 2024-03-27. Review status: criteria provided, single submitter. Criteria: Invitae Variant Classification Sherloc (09022015). Collection method: clinical testing. Allele origin: germline.
Comment: This sequence change replaces serine, which is neutral and polar, with proline, which is neutral and non-polar, at codon 667 of the STIM1 protein (p.Ser667Pro). This variant is not present in population databases (gnomAD no frequency). This variant has not been reported in the literature in individuals affected with STIM1-related conditions. Advanced modeling of protein sequence and biophysical properties (such as structural, functional, and spatial information, amino acid conservation, physicochemical variation, residue mobility, and thermodynamic stability) has been performed at Invitae for this missense variant, however the output from this modeling did not meet the statistical confidence thresholds required to predict the impact of this variant on STIM1 protein function. In summary, the available evidence is currently insufficient to determine the role of this variant in disease. Therefore, it has been classified as a Variant of Uncertain Significance.